The following is an entry in ClinVar:

ClinVar aggregate classification (germline): Uncertain significance (1 of 4 stars; one submission).

Conditions:
Deficiency of hyaluronoglucosaminidase (MPS9). Also called: HYALURONIDASE DEFICIENCY; MPS IX; Mucopolysaccharidosis type 9. Identifiers: Orphanet 67041, MedGen C1291490, MONDO:0011093, OMIM 601492.

Allele frequency attached by ClinVar (database versions not stated): gnomAD 0.00006; TOPMed 0.00008; gnomAD exomes 0.00001; ExAC 0.00004; ESP Exome Variant Server 0.00023.
gnomAD v4.1: 19 of 1,614,072 alleles (0.0012%); highest among the groups gnomAD compares: African/African-American, 0.019%; no homozygotes.

Submission:

Labcorp Genetics (formerly Invitae), Labcorp
Classification: Uncertain significance for Deficiency of hyaluronoglucosaminidase. Last evaluated: 2022-05-17. Review status: criteria provided, single submitter. Criteria: Invitae Variant Classification Sherloc (09022015). Collection method: clinical testing. Allele origin: germline.
Comment: This sequence change replaces proline, which is neutral and non-polar, with alanine, which is neutral and non-polar, at codon 393 of the HYAL1 protein (p.Pro393Ala). This variant is present in population databases (rs145487411, gnomAD 0.02%). This variant has not been reported in the literature in individuals affected with HYAL1-related conditions. Algorithms developed to predict the effect of missense changes on protein structure and function (SIFT, PolyPhen-2, Align-GVGD) all suggest that this variant is likely to be tolerated. In summary, the available evidence is currently insufficient to determine the role of this variant in disease. Therefore, it has been classified as a Variant of Uncertain Significance.

NM_033159.4(HYAL1):c.1177C>G (p.Pro393Ala)

Gene: HYAL1 (hyaluronidase 1; minus strand). Cytogenetic location: 3p21.31.
Variant type: single nucleotide variant.
Coding change: c.1177C>G on transcript NM_033159.4 (MANE Select); coding-DNA position 1177, C replaced by G.
Protein change: p.Pro393Ala; replaces proline 393 with alanine.
Molecular consequence: missense variant. On other transcripts: non-coding transcript variant (1).
Genome position (GRCh38, 1-based): chr3:50,300,614, G>C on the plus strand (C>G on the coding strand, the complement: HYAL1 is on the minus strand). VCF-style: chr3-50300614-G-C. GRCh37 (hg19) VCF-style: chr3-50338045-G-C.
Other names: c.1177C>G, p.Pro393Ala (NM_007312.3, NM_153281.2); c.1087C>G, p.Pro363Ala (NM_153282.3); c.631C>G, p.Pro211Ala (NM_153283.3); c.400C>G, p.Pro134Ala (NM_153285.3); short protein forms P363A, P393A, P134A, P211A.
Identifiers: ClinVar variation 2081369 (VCV002081369.1), dbSNP rs145487411, ClinGen allele CA2415714.